The following is an entry in ClinVar:

NM_016532.4(INPP5K):c.870G>A (p.Ala290=)

Gene: INPP5K (inositol polyphosphate-5-phosphatase K; minus strand). Cytogenetic location: 17p13.3.
Variant type: single nucleotide variant.
Coding change: c.870G>A on transcript NM_016532.4 (MANE Select); coding-DNA position 870, G replaced by A.
Protein change: p.Ala290=; no amino-acid change (alanine 290 retained).
Molecular consequence: synonymous variant.
Genome position (GRCh38, 1-based): chr17:1,498,029, C>T on the plus strand (G>A on the coding strand, the complement: INPP5K is on the minus strand). VCF-style: chr17-1498029-C-T. GRCh37 (hg19) VCF-style: chr17-1401323-C-T.
Other names: c.642G>A, p.Ala214= (NM_001135642.2, NM_130766.3).
Identifiers: ClinVar variation 2647184 (VCV002647184.24), dbSNP rs766956300, ClinGen allele CA8268441.
Genomic context (GRCh38, chr17:1,498,029, plus strand): 5'-GTCGCTGATGCCGTACGTCATGTGGCTGCTGTAGCCCCTCAGAGACAAGGAGAAGTGTGA[C>T]GCCGGCGGTATGGGAGTGTCGGGGCCAGCACAGGGCTGCCGCTTCAGCCTCCACAGGATG-3'
Protein context (NP_057616.2, residues 280-300): CAGPDTPIPP[Ala290=]SHFSLSLRGY

ClinVar aggregate classification (germline): Likely benign (1 of 4 stars; one submission).

Allele frequency attached by ClinVar (database versions not stated): ExAC 0.00001; gnomAD 0.00001; TOPMed 0.00003.
gnomAD v4.1: 10 of 1,614,002 alleles (0.00062%); highest among the groups gnomAD compares: East Asian, 0.0067%; no homozygotes.

Submission:

CeGaT Center for Human Genetics Tuebingen
Classification: Likely benign. Last evaluated: 2022-09-01. Review status: criteria provided, single submitter. Criteria: CeGaT Center For Human Genetics Tuebingen Variant Classification Criteria Version 2. Collection method: clinical testing. Allele origin: germline. Affected: yes. Observed: 1 variant allele.
Comment: INPP5K: BP4, BP7